The following is an entry in ClinVar:

ClinVar aggregate classification (germline): Pathogenic. Review status: reviewed by expert panel (3 of 4 stars). 14 submissions from 13 submitters: Pathogenic (1). 13 of the submissions do not count toward it. Last evaluated 2017-03-17.

Conditions:
Cystic fibrosis diagnostic test.
CFTR-related disorder (CFTR-RD). Also called: CFTR-related condition; CFTR-related disorders. Identifiers: MedGen C5924204, MONDO:7770004.
Congenital bilateral aplasia of vas deferens from CFTR mutation (CBAVD). Identifiers: Orphanet 48, MedGen C0403814, MONDO:0010178, OMIM 277180. Disease mechanism: loss of function.
Cystic fibrosis (CF). Also called: MUCOVISCIDOSIS. Identifiers: Orphanet 586, MedGen C0010674, MONDO:0009061, OMIM 219700. Disease mechanism: loss of function.
Bronchiectasis with or without elevated sweat chloride 1 (BESC1). Also called: Cystic Fibrosis-Like Syndrome. Identifiers: Orphanet 60033, MedGen C2749757, MONDO:0008887, OMIM 211400.

Allele frequency attached by ClinVar (database versions not stated): gnomAD exomes below 0.00001.
gnomAD v4.1: 6 of 1,612,602 alleles (0.00037%); highest among the groups gnomAD compares: Admixed American, 0.0033%; no homozygotes.

Submissions (14):

CFTR2
Classification: Pathogenic for Cystic fibrosis. Last evaluated: 2017-03-17. Review status: reviewed by expert panel. Criteria: Sosnay PR et al. (Nat Genet 2013). Collection method: research. Allele origin: germline. Affected: yes. Study: CFTR2.

Otogenetics
Classification: Pathogenic for Cystic fibrosis; Congenital bilateral aplasia of vas deferens from CFTR mutation. Last evaluated: 2026-02-08. Review status: criteria provided, single submitter. Criteria: ACMG Guidelines, 2015. Collection method: clinical testing. Allele origin: germline. Not counted in ClinVar's aggregate classification.
Comment: PVS1 Null variant occurring in a canonical splice site (donor site) in gene with loss of function as mechanism of disease, disrupting the reading frame and predicted to undergo NMD; PM2: Maximum gnomAD MAF of 0.0009% in European-Non Finnish (NFE) subpopulation (<0.296% threshold); PP3: In-silico models predict deleterious effect (MutationTaster = 1, SpliceAI = 0.89)

Natera, Inc.
Classification: Pathogenic for CFTR-related disorders. Last evaluated: 2025-12-01. Review status: criteria provided, single submitter. Criteria: Natera Variant Classification Schema (03/2026). Collection method: clinical testing. Allele origin: germline. Not counted in ClinVar's aggregate classification.
Comment: The c.1116+1G>A variant in CFTR is a canonical splice donor site variant predicted to affect pre-mRNA splicing, which may result in an abnormal transcript and altered protein product. This variant is expected to result in nonsense mediated decay, truncation, or a dysfunctional protein product. This variant is rare in the general population with a frequency below the threshold expected for the associated phenotype(s). This variant has been observed in one or more individuals affected with the associated recessive disease, as either homozygous or compound heterozygous with a second variant (PMID: 30548586). Given the available evidence, this variant is classified as Pathogenic.

NHS Central & South Genomic Laboratory Hub
Classification: Pathogenic for Cystic fibrosis diagnostic test. Last evaluated: 2025-10-21. Review status: criteria provided, single submitter. Criteria: ACMG Guidelines, 2015. Collection method: clinical testing. Allele origin: germline. Affected: yes. Not counted in ClinVar's aggregate classification.

Labcorp Genetics (formerly Invitae), Labcorp
Classification: Pathogenic for Cystic fibrosis. Last evaluated: 2025-02-17. Review status: criteria provided, single submitter. Criteria: Invitae Variant Classification Sherloc (09022015). Collection method: clinical testing. Allele origin: germline. Not counted in ClinVar's aggregate classification.
Comment: This sequence change affects a donor splice site in intron 8 of the CFTR gene. It is expected to disrupt RNA splicing. Variants that disrupt the donor or acceptor splice site typically lead to a loss of protein function (PMID: 16199547), and loss-of-function variants in CFTR are known to be pathogenic (PMID: 1695717, 7691345, 9725922). This variant is present in population databases (rs397508158, gnomAD 0.0009%). Disruption of this splice site has been observed in individuals with cystic fibrosis (PMID: 10834512, 15365999, 21520337, 23974870, 30548586). This variant is also known as c.1248+1G>A. ClinVar contains an entry for this variant (Variation ID: 53190). Algorithms developed to predict the effect of sequence changes on RNA splicing suggest that this variant may disrupt the consensus splice site. For these reasons, this variant has been classified as Pathogenic.

Revvity Omics, Revvity
Classification: Pathogenic. Last evaluated: 2025-02-13. Review status: criteria provided, single submitter. Criteria: ACMG Guidelines, 2015. Collection method: clinical testing. Allele origin: germline. Not counted in ClinVar's aggregate classification.

Baylor Genetics
Classification: Pathogenic for Bronchiectasis with or without elevated sweat chloride 1. Last evaluated: 2023-07-29. Review status: criteria provided, single submitter. Criteria: ACMG Guidelines, 2015. Collection method: clinical testing. Allele origin: unknown. Not counted in ClinVar's aggregate classification.

Johns Hopkins Genomics, Johns Hopkins University
Classification: Pathogenic for Cystic fibrosis. Last evaluated: 2023-03-10. Review status: criteria provided, single submitter. Criteria: ACMG Guidelines, 2015. Collection method: clinical testing. Allele origin: germline. Not counted in ClinVar's aggregate classification.
Comment: Disease-causing CFTR variant. See CFTR2 for phenotype information.

Ambry Genetics
Classification: Pathogenic for Cystic fibrosis. Last evaluated: 2023-03-01. Review status: criteria provided, single submitter. Criteria: Ambry Variant Classification Scheme 2023. Collection method: clinical testing. Allele origin: germline. Not counted in ClinVar's aggregate classification.
Comment: The c.1116+1G>A intronic pathogenic mutation results from a G to A substitution one nucleotide(s) after coding exon 8 of the CFTR gene. This alteration was identified in an individual with cystic fibrosis; however a second CFTR variant was not detected (Kambouris M et al. Eur. J. Pediatr., 2000 May;159:303-9). It was also identified in a cohort of individuals with congenital bilateral absence of the vas deferens (CBAVD) in conjunction with a second CFTR variant; however, the phase was not provided (Steiner B et al. Hum. Mutat., 2011 Aug;32:912-20). This alteration is also associated with elevated sweat chloride levels and pancreatic insufficiency (Sosnay PR et al. Nat. Genet., 2013 Oct;45:1160-7). Of note, this alteration is also known as 1248+1G>A in published literature. This nucleotide position is highly conserved in available vertebrate species. In silico splice site analysis predicts that this alteration will weaken the native splice donor site and will result in the creation or strengthening of a novel splice donor site. In addition to the clinical data presented in the literature, alterations that disrupt the canonical splice site are expected to cause aberrant splicing, resulting in an abnormal protein or a transcript that is subject to nonsense-mediated mRNA decay. As such, this alteration is classified as a disease-causing mutation.

Women's Health and Genetics/Laboratory Corporation of America, LabCorp
Classification: Pathogenic for Cystic fibrosis. Last evaluated: 2019-06-20. Review status: criteria provided, single submitter. Criteria: LabCorp Variant Classification Summary - May 2015. Collection method: clinical testing. Allele origin: germline. Not counted in ClinVar's aggregate classification.
Comment: Variant summary: CFTR c.1116+1G>A is located in a canonical splice-site and is predicted to affect mRNA splicing resulting in a significantly altered protein due to either exon skipping, shortening, or inclusion of intronic material. 5/5 computational tools predict the variant abolishes a 5 splicing donor site and a significant impact on normal splicing. However, these predictions have yet to be confirmed by functional studies. The variant allele was found at a frequency of 4e-06 in 250560 control chromosomes (gnomAD). The variant, c.1116+1G>A, has been reported in the literature in multiple individuals affected with Cystic Fibrosis or CBAVD (Kambouris_2000, Huber_2002, Kammesheidt_2006, Steiner_2011, Qiu_2018, Petrova_2019). These data indicate that the variant is very likely to be associated with disease. To our knowledge, no experimental evidence demonstrating an impact on protein function has been reported. Three ClinVar submissions from other clinical diagnostic laboratories (evaluation after 2014) cite the variant as pathogenic. Based on the evidence outlined above, the variant was classified as pathogenic.

Mendelics
Classification: Pathogenic for Cystic fibrosis. Last evaluated: 2018-11-05. Review status: criteria provided, single submitter. Criteria: Mendelics Assertion Criteria 2017. Collection method: clinical testing. Allele origin: unknown. Affected: yes. Not counted in ClinVar's aggregate classification.

CFTR-France
Classification: Pathogenic for cystic fibrosis. Last evaluated: 2018-01-29. Review status: criteria provided, single submitter. Criteria: Claustres M et al. (Hum Mutat 2017). Collection method: curation. Allele origin: germline. Affected: yes. Not counted in ClinVar's aggregate classification.

Baylor Genetics
Classification: Pathogenic for Congenital bilateral aplasia of vas deferens from CFTR mutation; Cystic fibrosis. Review status: criteria provided, single submitter. Criteria: ACMG Guidelines, 2015. Collection method: clinical testing. Allele origin: germline. Not counted in ClinVar's aggregate classification.

Counsyl
Classification: Pathogenic for Cystic fibrosis. Last evaluated: 2016-01-26. Review status: no assertion criteria provided. Collection method: clinical testing. Allele origin: unknown. Not counted in ClinVar's aggregate classification.

Literature cited by the submitters: PubMed 30548586 (cited by 3 submitters); PubMed 16199547 (cited by Labcorp Genetics (formerly Invitae), Labcorp); PubMed 1695717 (cited by Labcorp Genetics (formerly Invitae), Labcorp); PubMed 7691345 (cited by Labcorp Genetics (formerly Invitae), Labcorp); PubMed 9725922 (cited by Labcorp Genetics (formerly Invitae), Labcorp); PubMed 10834512 (cited by 3 submitters); PubMed 15365999 (cited by Labcorp Genetics (formerly Invitae), Labcorp); PubMed 21520337 (cited by 3 submitters); PubMed 23974870 (cited by 3 submitters); PubMed 16980811 (cited by Women's Health and Genetics/Laboratory Corporation of America, LabCorp); PubMed 29520692 (cited by Women's Health and Genetics/Laboratory Corporation of America, LabCorp); PubMed 12437773 (cited by Women's Health and Genetics/Laboratory Corporation of America, LabCorp).

NM_000492.4(CFTR):c.1116+1G>A

Gene: CFTR (CF transmembrane conductance regulator; plus strand). Cytogenetic location: 7q31.2.
Variant type: single nucleotide variant.
Coding change: c.1116+1G>A on transcript NM_000492.4 (MANE Select); the canonical splice donor site of the intron after coding-DNA position 1116, G replaced by A.
Molecular consequence: splice donor variant.
Genome position (GRCh38, 1-based): chr7:117,540,347, G>A. VCF-style: chr7-117540347-G-A. GRCh37 (hg19) VCF-style: chr7-117180401-G-A.
Other names: 1248+1G->A.
Identifiers: ClinVar variation 53190 (VCV000053190.24), dbSNP rs397508158, ClinGen allele CA328079.